The following is an entry in ClinVar:

ClinVar aggregate classification (germline): Uncertain significance (1 of 4 stars; one submission).

Conditions:
Ulnar-mammary syndrome (UMS). Also called: PALLISTER ULNAR-MAMMARY SYNDROME; SCHINZEL SYNDROME; Ulnar-mammary syndrome of Pallister. Identifiers: Orphanet 3138, MedGen C1866994, MONDO:0008411, OMIM 181450.

Allele frequency attached by ClinVar (database versions not stated): gnomAD exomes below 0.00001; TOPMed below 0.00001; ExAC 0.00001; gnomAD 0.00002; ESP Exome Variant Server 0.00008; 1000 Genomes Project 30x 0.00016; 1000 Genomes Project 0.00020.

Submission:

Labcorp Genetics (formerly Invitae), Labcorp
Classification: Uncertain significance for Ulnar-mammary syndrome. Last evaluated: 2022-08-06. Review status: criteria provided, single submitter. Criteria: Invitae Variant Classification Sherloc (09022015). Collection method: clinical testing. Allele origin: germline.
Comment: In summary, the available evidence is currently insufficient to determine the role of this variant in disease. Therefore, it has been classified as a Variant of Uncertain Significance. Algorithms developed to predict the effect of missense changes on protein structure and function are either unavailable or do not agree on the potential impact of this missense change (SIFT: "Tolerated"; PolyPhen-2: "Probably Damaging"; Align-GVGD: "Class C0"). This variant has not been reported in the literature in individuals affected with TBX3-related conditions. This variant is present in population databases (rs375420460, gnomAD 0.006%). This sequence change replaces asparagine, which is neutral and polar, with serine, which is neutral and polar, at codon 238 of the TBX3 protein (p.Asn238Ser).

NM_005996.4(TBX3):c.713A>G (p.Asn238Ser)

Gene: TBX3 (T-box transcription factor 3; minus strand). Cytogenetic location: 12q24.21.
Variant type: single nucleotide variant.
Coding change: c.713A>G on transcript NM_005996.4 (MANE Select); coding-DNA position 713, A replaced by G.
Protein change: p.Asn238Ser; replaces asparagine 238 with serine.
Molecular consequence: missense variant.
Genome position (GRCh38, 1-based): chr12:114,679,596, T>C on the plus strand (A>G on the coding strand, the complement: TBX3 is on the minus strand). VCF-style: chr12-114679596-T-C. GRCh37 (hg19) VCF-style: chr12-115117401-T-C.
Other names: c.773A>G, p.Asn258Ser (NM_016569.4); short protein forms N238S, N258S.
Identifiers: ClinVar variation 1981438 (VCV001981438.4), dbSNP rs375420460, ClinGen allele CA6810106.